The following is an entry in ClinVar:

NM_001292063.2(OTOG):c.7400G>A (p.Arg2467His)

Gene: OTOG (otogelin; plus strand). Cytogenetic location: 11p15.1.
Variant type: single nucleotide variant.
Coding change: c.7400G>A on transcript NM_001292063.2 (MANE Select); coding-DNA position 7400, G replaced by A.
Protein change: p.Arg2467His; replaces arginine 2467 with histidine.
Molecular consequence: missense variant.
Genome position (GRCh38, 1-based): chr11:17,634,201, G>A. VCF-style: chr11-17634201-G-A. GRCh37 (hg19) VCF-style: chr11-17655748-G-A.
Other names: c.7436G>A, p.Arg2479His (NM_001277269.2); short protein forms R2479H, R2467H.
Identifiers: ClinVar variation 226908 (VCV000226908.18), dbSNP rs61743165, ClinGen allele CA5906127.

ClinVar aggregate classification (germline): Benign. Review status: criteria provided, multiple submitters, no conflicts (2 of 4 stars). 7 submissions from 7 submitters: Benign (6). 1 of the submissions does not count toward it. Last evaluated 2026-02-03.

Conditions:
OTOG-related disorder. Also called: OTOG-related condition.

Allele frequency attached by ClinVar (database versions not stated): gnomAD 0.03722 and 0.03602; ExAC 0.05934; TOPMed 0.03467; 1000 Genomes Project 0.03854; 1000 Genomes Project 30x 0.03888; gnomAD exomes 0.03886 and 0.04049.
gnomAD v4.1: 59,662 of 1,550,382 alleles (3.8%); highest among the groups gnomAD compares: South Asian, 8.5%; 1,366 homozygotes.

Submissions (7):

Labcorp Genetics (formerly Invitae), Labcorp
Classification: Benign. Last evaluated: 2026-02-03. Review status: criteria provided, single submitter. Criteria: Invitae Variant Classification Sherloc (09022015). Collection method: clinical testing. Allele origin: germline.

Mayo Clinic Laboratories, Mayo Clinic
Classification: Benign. Last evaluated: 2021-01-07. Review status: criteria provided, single submitter. Criteria: ACMG Guidelines, 2015. Collection method: clinical testing. Allele origin: germline. Observed: 10 variant alleles.

Athena Diagnostics
Classification: Benign. Last evaluated: 2018-08-10. Review status: criteria provided, single submitter. Criteria: Athena Diagnostics Criteria. Collection method: clinical testing. Allele origin: germline.

GeneDx
Classification: Benign. Last evaluated: 2017-05-09. Review status: criteria provided, single submitter. Criteria: GeneDx Variant Classification (06012015). Collection method: clinical testing. Allele origin: germline. Affected: yes.
Comment: This variant is considered likely benign or benign based on one or more of the following criteria: it is a conservative change, it occurs at a poorly conserved position in the protein, it is predicted to be benign by multiple in silico algorithms, and/or has population frequency not consistent with disease.

Laboratory for Molecular Medicine, Mass General Brigham Personalized Medicine
Classification: Benign. Last evaluated: 2014-11-24. Review status: criteria provided, single submitter. Criteria: LMM Criteria. Collection method: clinical testing. Allele origin: germline. Observed: 69 variant alleles.
Comment: Arg2479His in exon 43 of OTOG: This variant is not expected to have clinical sig nificance because it has been identified in 4.5% (6/132) of Mexican chromosomes from a broad population by the 1000 Genomes Project (/projects/SNP; dbSNP rs61743165).

Breakthrough Genomics
Classification: Benign. Review status: criteria provided, single submitter. Criteria: ACMG Guidelines, 2015. Collection method: not provided. Allele origin: germline. Inheritance: Autosomal recessive inheritance. Affected: yes.

PreventionGenetics, part of Exact Sciences
Classification: Benign for OTOG-related condition. Last evaluated: 2019-03-29. Review status: no assertion criteria provided. Collection method: clinical testing. Allele origin: germline. Not counted in ClinVar's aggregate classification.
Comment: This variant is classified as benign based on ACMG/AMP sequence variant interpretation guidelines (Richards et al. 2015 PMID: 25741868, with internal and published modifications).